The following is an entry in ClinVar:

ClinVar aggregate classification (germline): Likely benign (1 of 4 stars; one submission).

Submission:

GeneDx
Classification: Likely benign. Last evaluated: 2016-04-29. Review status: criteria provided, single submitter. Criteria: GeneDx Variant Classification (06012015). Collection method: clinical testing. Allele origin: germline. Affected: yes.
Comment: This variant is considered likely benign or benign based on one or more of the following criteria: it is a conservative change, it occurs at a poorly conserved position in the protein, it is predicted to be benign by multiple in silico algorithms, and/or has population frequency not consistent with disease.

NM_007294.4(BRCA1):c.2727T>C (p.Asn909=)

Gene: BRCA1 (BRCA1 DNA repair associated; minus strand). Cytogenetic location: 17q21.31.
Variant type: single nucleotide variant.
Coding change: c.2727T>C on transcript NM_007294.4 (MANE Select); coding-DNA position 2727, T replaced by C.
Protein change: p.Asn909=; no amino-acid change (asparagine 909 retained).
Molecular consequence: synonymous variant. On other transcripts: intron variant (137).
Genome position (GRCh38, 1-based): chr17:43,092,804, A>G on the plus strand (T>C on the coding strand, the complement: BRCA1 is on the minus strand). VCF-style: chr17-43092804-A-G. GRCh37 (hg19) VCF-style: chr17-41244821-A-G.
Other names: c.2463T>C, p.Asn821= (NM_001407924.1, NM_001407925.1, NM_001407926.1 and 9 more transcripts); c.2460T>C, p.Asn820= (NM_001407930.1, NM_001407931.1, NM_001407932.1 and 2 more transcripts); c.2604T>C, p.Asn868= (NM_001407937.1, NM_001407938.1, NM_001407939.1 and 19 more transcripts); c.2601T>C, p.Asn867= (NM_001407940.1, NM_001407941.1, NM_001407649.1 and 11 more transcripts); c.2586T>C, p.Asn862= (NM_001407942.1, NM_001407944.1, NM_001407945.1 and 29 more transcripts); c.2583T>C, p.Asn861= (NM_001407943.1, NM_001407964.1, NM_001407740.1 and 20 more transcripts); c.2394T>C, p.Asn798= (NM_001407946.1, NM_001407947.1, NM_001407948.1 and 6 more transcripts); c.2391T>C, p.Asn797= (NM_001407954.1, NM_001407955.1, NM_001407956.1 and 1 more transcripts); and 41 more.
Identifiers: ClinVar variation 379024 (VCV000379024.2), dbSNP rs1057520470, ClinGen allele CA16607669.